The following is an entry in ClinVar:

ClinVar aggregate classification (germline): Uncertain significance (1 of 4 stars; one submission).

Conditions:
Familial cancer of breast. Also called: Hereditary breast cancer; BREAST CANCER, FAMILIAL; hereditary breast carcinoma. Identifiers: Orphanet 227535, MedGen C0346153, MONDO:0016419, OMIM 114480. Disease mechanism: loss of function.

Allele frequency attached by ClinVar (database versions not stated): gnomAD exomes below 0.00001.
gnomAD v4.1: 1 of 1,613,604 alleles (0.000062%); highest among the groups gnomAD compares: South Asian, 0.0011%; no homozygotes.

Submission:

Labcorp Genetics (formerly Invitae), Labcorp
Classification: Uncertain significance for Familial cancer of breast. Last evaluated: 2025-09-14. Review status: criteria provided, single submitter. Criteria: Invitae Variant Classification Sherloc (09022015). Collection method: clinical testing. Allele origin: germline.
Comment: This sequence change replaces tyrosine, which is neutral and polar, with asparagine, which is neutral and polar, at codon 156 of the BARD1 protein (p.Tyr156Asn). This variant is present in population databases (no rsID available, gnomAD 0.003%). This variant has not been reported in the literature in individuals affected with BARD1-related conditions. ClinVar contains an entry for this variant (Variation ID: 1362099). An algorithm developed to predict the effect of missense changes on protein structure and function (PolyPhen-2) suggests that this variant is likely to be disruptive. In summary, the available evidence is currently insufficient to determine the role of this variant in disease. Therefore, it has been classified as a Variant of Uncertain Significance.

NM_000465.4(BARD1):c.466T>A (p.Tyr156Asn)

Gene: BARD1 (BRCA1 associated RING domain 1; minus strand). Cytogenetic location: 2q35.
Variant type: single nucleotide variant.
Coding change: c.466T>A on transcript NM_000465.4 (MANE Select); coding-DNA position 466, T replaced by A.
Protein change: p.Tyr156Asn; replaces tyrosine 156 with asparagine.
Molecular consequence: missense variant. On other transcripts: non-coding transcript variant (2), intron variant (3).
Genome position (GRCh38, 1-based): chr2:214,781,408, A>T on the plus strand (T>A on the coding strand, the complement: BARD1 is on the minus strand). VCF-style: chr2-214781408-A-T. GRCh37 (hg19) VCF-style: chr2-215646132-A-T.
Other names: c.409T>A, p.Tyr137Asn (NM_001282543.2); c.158+28004T>A (NM_001282548.2); c.215+15653T>A (NM_001282545.2); c.364+10889T>A (NM_001282549.2); short protein forms Y137N, Y156N.
Identifiers: ClinVar variation 1362099 (VCV001362099.9), dbSNP rs1172089451, ClinGen allele CA350457622.